The following is an entry in ClinVar:

ClinVar aggregate classification (germline): Uncertain significance. Review status: criteria provided, single submitter (1 of 4 stars). 2 submissions from 2 submitters: Uncertain significance (1). 1 of the submissions does not count toward it. Last evaluated 2025-12-08.

Conditions:
Multiple sulfatase deficiency (MSD). Also called: Multiple Sulfatase Deficiency Disease; Mucosulfatidosis; Sulfatidosis, Juvenile, Austin Type. Identifiers: Orphanet 585, MedGen C0268263, MONDO:0010088, OMIM 272200.

Allele frequency attached by ClinVar (database versions not stated): gnomAD exomes below 0.00001 and 0.00001; ExAC 0.00001; gnomAD 0.00001; TOPMed 0.00002; ESP Exome Variant Server 0.00008.

Submissions (2):

Labcorp Genetics (formerly Invitae), Labcorp
Classification: Uncertain significance for Multiple sulfatase deficiency. Last evaluated: 2025-12-08. Review status: criteria provided, single submitter. Criteria: Invitae Variant Classification Sherloc (09022015). Collection method: clinical testing. Allele origin: germline.
Comment: This sequence change replaces methionine, which is neutral and non-polar, with threonine, which is neutral and polar, at codon 161 of the SUMF1 protein (p.Met161Thr). This variant is present in population databases (rs375792563, gnomAD 0.002%). This variant has not been reported in the literature in individuals affected with SUMF1-related conditions. ClinVar contains an entry for this variant (Variation ID: 965037). Invitae Evidence Modeling of protein sequence and biophysical properties (such as structural, functional, and spatial information, amino acid conservation, physicochemical variation, residue mobility, and thermodynamic stability) has been performed for this missense variant. However, the output from this modeling did not meet the statistical confidence thresholds required to predict the impact of this variant on SUMF1 protein function. In summary, the available evidence is currently insufficient to determine the role of this variant in disease. Therefore, it has been classified as a Variant of Uncertain Significance.

Natera, Inc.
Classification: Uncertain significance for Multiple sulfatase deficiency. Last evaluated: 2020-08-31. Review status: no assertion criteria provided. Collection method: clinical testing. Allele origin: germline. Not counted in ClinVar's aggregate classification.

NM_182760.4(SUMF1):c.482T>C (p.Met161Thr)

Gene: SUMF1 (sulfatase modifying factor 1; minus strand). Cytogenetic location: 3p26.1.
Variant type: single nucleotide variant.
Coding change: c.482T>C on transcript NM_182760.4 (MANE Select); coding-DNA position 482, T replaced by C.
Protein change: p.Met161Thr; replaces methionine 161 with threonine.
Molecular consequence: missense variant. On other transcripts: intron variant (1).
Genome position (GRCh38, 1-based): chr3:4,449,303, A>G on the plus strand (T>C on the coding strand, the complement: SUMF1 is on the minus strand). VCF-style: chr3-4449303-A-G. GRCh37 (hg19) VCF-style: chr3-4490987-A-G.
Other names: c.482T>C, p.Met161Thr (NM_001164675.2); c.444+3573T>C (NM_001164674.2); short protein forms M161T.
Identifiers: ClinVar variation 965037 (VCV000965037.8), dbSNP rs375792563, ClinGen allele CA2230588.
Genomic context (GRCh38, chr3:4,449,303, plus strand): 5'-GAGCCTGTTGAAACATTACTTACTGCCTGTTGAATATTGGTCTTCACTTGCTCACTCAAC[A>G]TGCCTTCAAAGACAAAGGAGTCGCCAAACTTCTCAGCCTATAAGGAAGGTAGGAAATAAA-3'
Protein context (NP_877437.2, residues 151-171): KFGDSFVFEG[Met161Thr]LSEQVKTNIQ